The following is an entry in ClinVar:

ClinVar aggregate classification (germline): Uncertain significance (1 of 4 stars; one submission).

Conditions:
Desmin-related myofibrillar myopathy (MFM1). Also called: Desmin related myopathy (former name); Desmin storage myopathy (former name); Desminopathy; MYOFIBRILLAR MYOPATHY WITH ARRHYTHMOGENIC RIGHT VENTRICULAR CARDIOMYOPATHY; DESMIN-RELATED MYOPATHY WITH ARRHYTHMOGENIC RIGHT VENTRICULAR CARDIOMYOPATHY; Myofibrillar myopathy 1. Identifiers: Orphanet 363543, Orphanet 98909, MedGen C1832370, MONDO:0011076, OMIM 601419.

Allele frequency attached by ClinVar (database versions not stated): gnomAD exomes below 0.00001.
gnomAD v4.1: 2 of 1,614,092 alleles (0.00012%); highest among the groups gnomAD compares: Non-Finnish European, 0.00017%; no homozygotes.

Submission:

Labcorp Genetics (formerly Invitae), Labcorp
Classification: Uncertain significance for Desmin-related myofibrillar myopathy. Last evaluated: 2022-08-07. Review status: criteria provided, single submitter. Criteria: Invitae Variant Classification Sherloc (09022015). Collection method: clinical testing. Allele origin: germline.
Comment: In summary, the available evidence is currently insufficient to determine the role of this variant in disease. Therefore, it has been classified as a Variant of Uncertain Significance. Advanced modeling of protein sequence and biophysical properties (such as structural, functional, and spatial information, amino acid conservation, physicochemical variation, residue mobility, and thermodynamic stability) performed at Invitae indicates that this missense variant is expected to disrupt DES protein function. This missense change has been observed in individual(s) with limb-girdle weakness (PMID: 32528171). This variant is not present in population databases (gnomAD no frequency). This sequence change replaces leucine, which is neutral and non-polar, with phenylalanine, which is neutral and non-polar, at codon 239 of the DES protein (p.Leu239Phe).

Literature cited by the submitters: PubMed 32528171.

NM_001927.4(DES):c.715C>T (p.Leu239Phe)

Gene: DES (desmin; plus strand). Cytogenetic location: 2q35.
Variant type: single nucleotide variant.
Coding change: c.715C>T on transcript NM_001927.4 (MANE Select); coding-DNA position 715, C replaced by T.
Protein change: p.Leu239Phe; replaces leucine 239 with phenylalanine.
Molecular consequence: missense variant. On other transcripts: intron variant (1).
Genome position (GRCh38, 1-based): chr2:219,420,326, C>T. VCF-style: chr2-219420326-C-T. GRCh37 (hg19) VCF-style: chr2-220285048-C-T.
Other names: c.712C>T, p.Leu238Phe (NM_001382708.1); c.715C>T, p.Leu239Phe (NM_001382709.1, NM_001382710.1, NM_001382711.1 and 1 more transcripts); c.496-199C>T (NM_001382713.1); short protein forms L238F, L239F.
Identifiers: ClinVar variation 2098191 (VCV002098191.4), dbSNP rs2545251528, ClinGen allele CA350690588.